The following is an entry in ClinVar:

NM_001377.3(DYNC2H1):c.11789G>A (p.Arg3930His)

Gene: DYNC2H1 (dynein cytoplasmic 2 heavy chain 1; plus strand). Cytogenetic location: 11q22.3.
Variant type: single nucleotide variant.
Coding change: c.11789G>A on transcript NM_001377.3 (MANE Select); coding-DNA position 11789, G replaced by A.
Protein change: p.Arg3930His; replaces arginine 3930 with histidine.
Molecular consequence: missense variant.
Genome position (GRCh38, 1-based): chr11:103,321,092, G>A. VCF-style: chr11-103321092-G-A. GRCh37 (hg19) VCF-style: chr11-103191821-G-A.
Other names: c.11810G>A, p.Arg3937His (NM_001080463.2); c.11810G>A (NM_001080463.1); short protein forms R3930H, R3937H.
Identifiers: ClinVar variation 2095922 (VCV002095922.3), dbSNP rs372153767, ClinGen allele CA6255378.

ClinVar aggregate classification (germline): Uncertain significance. Review status: criteria provided, multiple submitters, no conflicts (2 of 4 stars). 3 submissions from 3 submitters: Uncertain significance (3). Last evaluated 2024-08-05.

Conditions:
Inborn genetic diseases. Identifiers: MedGen C0950123, MeSH D030342.
Jeune thoracic dystrophy. Also called: Short-rib thoracic dysplasia; Jeune syndrome; Infantile thoracic dystrophy; Thoracic pelvic phalangeal dystrophy; Jeune's syndrome; Chondroectodermal dysplasia-like syndrome. Identifiers: Orphanet 474, MedGen C0265275, MONDO:0018770.

Allele frequency attached by ClinVar (database versions not stated): ExAC 0.00004; gnomAD exomes 0.00004; gnomAD 0.00005; TOPMed 0.00005; ESP Exome Variant Server 0.00008.
gnomAD v4.1: 70 of 1,612,590 alleles (0.0043%); highest among the groups gnomAD compares: Middle Eastern, 0.017%; no homozygotes.

Submissions (3):

Ambry Genetics
Classification: Uncertain significance for Inborn genetic diseases. Last evaluated: 2024-08-05. Review status: criteria provided, single submitter. Criteria: Ambry Variant Classification Scheme 2023. Collection method: clinical testing. Allele origin: germline.

Blueprint Genetics
Classification: Uncertain significance. Last evaluated: 2024-07-09. Review status: criteria provided, single submitter. Criteria: ACMG Guidelines, 2015. Collection method: clinical testing. Allele origin: germline.

Labcorp Genetics (formerly Invitae), Labcorp
Classification: Uncertain significance for Jeune thoracic dystrophy. Last evaluated: 2022-04-15. Review status: criteria provided, single submitter. Criteria: Invitae Variant Classification Sherloc (09022015). Collection method: clinical testing. Allele origin: germline.
Comment: This sequence change replaces arginine, which is basic and polar, with histidine, which is basic and polar, at codon 3937 of the DYNC2H1 protein (p.Arg3937His). This variant is present in population databases (rs372153767, gnomAD 0.02%). This variant has not been reported in the literature in individuals affected with DYNC2H1-related conditions. Algorithms developed to predict the effect of missense changes on protein structure and function (SIFT, PolyPhen-2, Align-GVGD) all suggest that this variant is likely to be disruptive. In summary, the available evidence is currently insufficient to determine the role of this variant in disease. Therefore, it has been classified as a Variant of Uncertain Significance.